The following is an entry in ClinVar:

ClinVar aggregate classification (germline): Likely pathogenic (1 of 4 stars; one submission).

Conditions:
Methylcobalamin deficiency type cblE (HMAE). Also called: VITAMIN B12-RESPONSIVE HOMOCYSTINURIA, cblE TYPE; HOMOCYSTINURIA-MEGALOBLASTIC ANEMIA, cblE COMPLEMENTATION TYPE; HOMOCYSTINURIA-MEGALOBLASTIC ANEMIA, cblE TYPE. Identifiers: Orphanet 2169, Orphanet 622, MedGen C1856057, MONDO:0009354, OMIM 236270.

Allele frequency attached by ClinVar (database versions not stated): TOPMed below 0.00001.

Submission:

Labcorp Genetics (formerly Invitae), Labcorp
Classification: Likely pathogenic for Methylcobalamin deficiency type cblE. Last evaluated: 2022-03-12. Review status: criteria provided, single submitter. Criteria: Invitae Variant Classification Sherloc (09022015). Collection method: clinical testing. Allele origin: germline.
Comment: In summary, the currently available evidence indicates that the variant is pathogenic, but additional data are needed to prove that conclusively. Therefore, this variant has been classified as Likely Pathogenic. Algorithms developed to predict the effect of sequence changes on RNA splicing suggest that this variant may disrupt the consensus splice site. This variant has not been reported in the literature in individuals affected with MTRR-related conditions. This variant is not present in population databases (gnomAD no frequency). This sequence change affects an acceptor splice site in intron 5 of the MTRR gene. It is expected to disrupt RNA splicing. Variants that disrupt the donor or acceptor splice site typically lead to a loss of protein function (PMID: 16199547), and loss-of-function variants in MTRR are known to be pathogenic (PMID: 15714522).

Literature cited by the submitters: PubMed 16199547; PubMed 15714522.

NM_002454.3(MTRR):c.781-2A>C

Gene: MTRR (5-methyltetrahydrofolate-homocysteine methyltransferase reductase; plus strand). Cytogenetic location: 5p15.31.
Variant type: single nucleotide variant.
Coding change: c.781-2A>C on transcript NM_002454.3 (MANE Select); the canonical splice acceptor site of the intron before coding-DNA position 781, A replaced by C.
Molecular consequence: splice acceptor variant.
Genome position (GRCh38, 1-based): chr5:7,883,153, A>C. VCF-style: chr5-7883153-A-C. GRCh37 (hg19) VCF-style: chr5-7883266-A-C.
Other names: c.781-2A>C (NM_001364440.2, NM_001364441.2, NM_001364442.2 and 1 more transcripts).
Identifiers: ClinVar variation 2178223 (VCV002178223.4), dbSNP rs1254913477, ClinGen allele CA359157455.